The following is an entry in ClinVar:

NM_001384474.1(LOXHD1):c.5479G>A (p.Asp1827Asn)

Gene: LOXHD1 (lipoxygenase homology PLAT domains 1; minus strand). Cytogenetic location: 18q21.1.
Variant type: single nucleotide variant.
Coding change: c.5479G>A on transcript NM_001384474.1 (MANE Select); coding-DNA position 5479, G replaced by A.
Protein change: p.Asp1827Asn; replaces aspartic acid 1827 with asparagine.
Molecular consequence: missense variant.
Genome position (GRCh38, 1-based): chr18:46,509,736, C>T on the plus strand (G>A on the coding strand, the complement: LOXHD1 is on the minus strand). VCF-style: chr18-46509736-C-T. GRCh37 (hg19) VCF-style: chr18-44089699-C-T.
Other names: c.2146G>A, p.Asp716Asn (NM_001145472.3); c.196G>A, p.Asp66Asn (NM_001145473.3, NM_001173129.2); c.1858G>A, p.Asp620Asn (NM_001308013.2); c.5293G>A, p.Asp1765Asn (NM_144612.7); short protein forms D1765N, D1827N, D620N, D66N, D716N.
Identifiers: ClinVar variation 1207187 (VCV001207187.4), dbSNP rs1167683873, ClinGen allele CA402368416.

ClinVar aggregate classification (germline): Uncertain significance. Review status: criteria provided, single submitter (1 of 4 stars). 2 submissions from 2 submitters: Uncertain significance (1). 1 of the submissions does not count toward it. Last evaluated 2019-09-05.

Conditions:
Autosomal recessive nonsyndromic hearing loss 77. Identifiers: Orphanet 90636, MedGen C2746083, MONDO:0013119, OMIM 613079.

Allele frequency attached by ClinVar (database versions not stated): gnomAD 0.00001; gnomAD exomes 0.00001 and 0.00004; TOPMed 0.00002.
gnomAD v4.1: 11 of 1,551,518 alleles (0.00071%); highest among the groups gnomAD compares: East Asian, 0.024%; no homozygotes.

Submissions (2):

GeneDx
Classification: Uncertain significance. Last evaluated: 2019-09-05. Review status: criteria provided, single submitter. Criteria: GeneDx Variant Classification Process June 2021. Collection method: clinical testing. Allele origin: germline. Affected: yes.
Comment: In silico analysis, which includes protein predictors and evolutionary conservation, supports a deleterious effect; Has not been previously published as pathogenic or benign to our knowledge

Natera, Inc.
Classification: Uncertain significance for Autosomal recessive deafness type 77. Last evaluated: 2020-03-11. Review status: no assertion criteria provided. Collection method: clinical testing. Allele origin: germline. Not counted in ClinVar's aggregate classification.